The following is an entry in ClinVar:

NM_004448.4(ERBB2):c.3754G>A (p.Asp1252Asn)

Gene: ERBB2 (erb-b2 receptor tyrosine kinase 2; plus strand). Cytogenetic location: 17q12.
Variant type: single nucleotide variant.
Coding change: c.3754G>A on transcript NM_004448.4 (MANE Select); coding-DNA position 3754, G replaced by A.
Protein change: p.Asp1252Asn; replaces aspartic acid 1252 with asparagine.
Molecular consequence: missense variant. On other transcripts: 3 prime UTR variant (2), non-coding transcript variant (1).
Genome position (GRCh38, 1-based): chr17:39,728,030, G>A. VCF-style: chr17-39728030-G-A. GRCh37 (hg19) VCF-style: chr17-37884283-G-A.
Other names: c.3664G>A, p.Asp1222Asn (NM_001005862.3, NM_001382782.1, NM_001382783.1); c.3709G>A, p.Asp1237Asn (NM_001289936.2); c.*333G>A (NM_001289937.2, NM_001382803.1); c.3871G>A, p.Asp1291Asn (NM_001382784.1); c.3856G>A, p.Asp1286Asn (NM_001382785.1); c.3835G>A, p.Asp1279Asn (NM_001382786.1); c.3829G>A, p.Asp1277Asn (NM_001382787.1); c.3784G>A, p.Asp1262Asn (NM_001382788.1); and 16 more; short protein forms D1166N, D1219N, D1236N, D1237N, D1238N, D1249N, D1184N, D1222N.
Identifiers: ClinVar variation 1397430 (VCV001397430.5), dbSNP rs184203026, ClinGen allele CA8534618.

ClinVar aggregate classification (germline): Uncertain significance (1 of 4 stars; one submission).

Allele frequency attached by ClinVar (database versions not stated): gnomAD exomes 0.00002 and 0.00003; ExAC 0.00005; TOPMed 0.00015; 1000 Genomes Project 0.00040; 1000 Genomes Project 30x 0.00062.

Submission:

Labcorp Genetics (formerly Invitae), Labcorp
Classification: Uncertain significance. Last evaluated: 2021-08-13. Review status: criteria provided, single submitter. Criteria: Invitae Variant Classification Sherloc (09022015). Collection method: clinical testing. Allele origin: germline.
Comment: This sequence change replaces aspartic acid with asparagine at codon 1252 of the ERBB2 protein (p.Asp1252Asn). The aspartic acid residue is moderately conserved and there is a small physicochemical difference between aspartic acid and asparagine. This variant is present in population databases (rs184203026, ExAC 0.06%). This variant has not been reported in the literature in individuals affected with ERBB2-related conditions. Algorithms developed to predict the effect of missense changes on protein structure and function are either unavailable or do not agree on the potential impact of this missense change (SIFT: "Deleterious"; PolyPhen-2: "Possibly Damaging"; Align-GVGD: "Class C0"). In summary, the available evidence is currently insufficient to determine the role of this variant in disease. Therefore, it has been classified as a Variant of Uncertain Significance.